The following is an entry in ClinVar:

NM_001376.5(DYNC1H1):c.10912G>A (p.Val3638Met)

Gene: DYNC1H1 (dynein cytoplasmic 1 heavy chain 1; plus strand). Cytogenetic location: 14q32.31.
Variant type: single nucleotide variant.
Coding change: c.10912G>A on transcript NM_001376.5 (MANE Select); coding-DNA position 10912, G replaced by A.
Protein change: p.Val3638Met; replaces valine 3638 with methionine.
Molecular consequence: missense variant.
Genome position (GRCh38, 1-based): chr14:102,038,463, G>A. VCF-style: chr14-102038463-G-A. GRCh37 (hg19) VCF-style: chr14-102504800-G-A.
Other names: short protein forms V3638M.
Identifiers: ClinVar variation 2816405 (VCV002816405.3), dbSNP rs746283010, ClinGen allele CA7353509.

ClinVar aggregate classification (germline): Uncertain significance (1 of 4 stars; one submission).

Conditions:
Charcot-Marie-Tooth disease axonal type 2O. Also called: CHARCOT-MARIE-TOOTH NEUROPATHY, AXONAL, TYPE 2O; CHARCOT-MARIE-TOOTH DISEASE, AXONAL, AUTOSOMAL DOMINANT, TYPE 2O; Charcot-Marie-Tooth Neuropathy Type 2O; Charcot-Marie-Tooth disease, axonal, type 20. Identifiers: Orphanet 284232, MedGen C3280220, MONDO:0013644, OMIM 614228.

Allele frequency attached by ClinVar (database versions not stated): gnomAD exomes below 0.00001; ExAC 0.00001.
gnomAD v4.1: 2 of 1,614,082 alleles (0.00012%); highest among the groups gnomAD compares: South Asian, 0.0011%; no homozygotes.

Submission:

Labcorp Genetics (formerly Invitae), Labcorp
Classification: Uncertain significance for Charcot-Marie-Tooth disease axonal type 2O. Last evaluated: 2022-12-26. Review status: criteria provided, single submitter. Criteria: Invitae Variant Classification Sherloc (09022015). Collection method: clinical testing. Allele origin: germline.
Comment: In summary, the available evidence is currently insufficient to determine the role of this variant in disease. Therefore, it has been classified as a Variant of Uncertain Significance. This sequence change replaces valine, which is neutral and non-polar, with methionine, which is neutral and non-polar, at codon 3638 of the DYNC1H1 protein (p.Val3638Met). This variant is present in population databases (rs746283010, gnomAD 0.003%). This variant has not been reported in the literature in individuals affected with DYNC1H1-related conditions. Advanced modeling of protein sequence and biophysical properties (such as structural, functional, and spatial information, amino acid conservation, physicochemical variation, residue mobility, and thermodynamic stability) has been performed at Invitae for this missense variant, however the output from this modeling did not meet the statistical confidence thresholds required to predict the impact of this variant on DYNC1H1 protein function.